The following is an entry in ClinVar:

ClinVar aggregate classification (germline): Uncertain significance (1 of 4 stars; one submission).

Conditions:
Baller-Gerold syndrome (BGS). Also called: CRANIOSYNOSTOSIS WITH RADIAL DEFECTS. Identifiers: Orphanet 1225, MedGen C0265308, MONDO:0009039, OMIM 218600.

Submission:

Labcorp Genetics (formerly Invitae), Labcorp
Classification: Uncertain significance for Baller-Gerold syndrome. Last evaluated: 2021-08-11. Review status: criteria provided, single submitter. Criteria: Invitae Variant Classification Sherloc (09022015). Collection method: clinical testing. Allele origin: germline.
Comment: This variant is not present in population databases (ExAC no frequency). This variant has not been reported in the literature in individuals affected with RECQL4-related conditions. Variants that disrupt the consensus splice site are a relatively common cause of aberrant splicing (PMID: 17576681, 9536098). Algorithms developed to predict the effect of sequence changes on RNA splicing suggest that this variant may disrupt the consensus splice site. In summary, the available evidence is currently insufficient to determine the role of this variant in disease. Therefore, it has been classified as a Variant of Uncertain Significance. This sequence change falls in intron 5 of the RECQL4 gene. It does not directly change the encoded amino acid sequence of the RECQL4 protein. It affects a nucleotide within the consensus splice site of the intron.

Literature cited by the submitters: PubMed 17576681; PubMed 9536098.

NM_004260.4(RECQL4):c.1132-3C>G

Gene: RECQL4 (RecQ like helicase 4; minus strand). Cytogenetic location: 8q24.3.
Variant type: single nucleotide variant.
Coding change: c.1132-3C>G on transcript NM_004260.4 (MANE Select); 3 bases into the intron before coding-DNA position 1132, C replaced by G.
Molecular consequence: intron variant.
Genome position (GRCh38, 1-based): chr8:144,515,893, G>C on the plus strand (C>G on the coding strand, the complement: RECQL4 is on the minus strand). VCF-style: chr8-144515893-G-C. GRCh37 (hg19) VCF-style: chr8-145741277-G-C.
Identifiers: ClinVar variation 1391149 (VCV001391149.6), dbSNP rs1586819954, ClinGen allele CA2573142931.
Genomic context (GRCh38, chr8:144,515,893, plus strand): 5'-CTGTGGCACCACCACCCCCAAAACACTCCCCTTTCTTCCGCCACTTCTGCTTCCATGCCT[G>C]GGGGGTGCCCACATAGGAGGGTCACTGGGCGGGAAATACGGGAGGGCTGAGGGGAGGGAA-3'